The following is an entry in ClinVar:

ClinVar aggregate classification (germline): Pathogenic (1 of 4 stars; one submission).

Submission:

Labcorp Genetics (formerly Invitae), Labcorp
Classification: Pathogenic. Last evaluated: 2022-09-18. Review status: criteria provided, single submitter. Criteria: Invitae Variant Classification Sherloc (09022015). Collection method: clinical testing. Allele origin: germline.
Comment: This variant is a gross deletion of the genomic region encompassing exon(s) 4 of the RS1 gene. This deletion is out-of-frame, and is expected to create a premature termination codon and result in an absent or disrupted protein product. Loss-of-function variants in RS1 are known to be pathogenic (PMID: 9618178, 17172462). A similar copy number variant has been observed in individual(s) with X-linked retinoschisis (PMID: 29739629). For these reasons, this variant has been classified as Pathogenic.

Literature cited by the submitters: PubMed 9618178; PubMed 17172462; PubMed 29739629.

NC_000023.10:g.(?_18665301)_(18665462_?)del

Genes: CDKL5 (cyclin dependent kinase like 5; plus strand), RS1 (retinoschisin 1; minus strand). Cytogenetic location: Xp22.13.
Variant type: Deletion.
Identifiers: ClinVar variation 2422908 (VCV002422908.3).